The following is an entry in ClinVar:

NM_001164508.2(NEB):c.20311_20312del (p.Leu6771fs)

Gene: NEB (nebulin; minus strand). Cytogenetic location: 2q23.3.
Variant type: Microsatellite.
Coding change: c.20311_20312del on transcript NM_001164508.2 (MANE Select); coding-DNA positions 20311 to 20312, 2 bases deleted (CT; older notation c.20311_20312delCT).
Protein change: p.Leu6771fs; shifts the reading frame from leucine 6771.
Molecular consequence: frameshift variant.
Genome position (GRCh38, 1-based): chr2:151,547,484-151,547,485, AG deleted on the plus strand (CT on the coding strand, the reverse complement: NEB is on the minus strand); deleting any 2 consecutive bases within chr2:151,547,484-151,547,490 gives the same sequence; the c. name uses the placement nearest the transcript's 3' end. VCF-style (leftmost placement, unchanged base first): chr2-151547483-CAG-C. GRCh37 (hg19) VCF-style: chr2-152403997-CAG-C.
Other names: c.20311_20312del, p.Leu6771fs (NM_001164507.2, NM_001271208.2); c.20306_20307TC[2], p.Leu6771Alafs (NM_001271208.1); c.15208_15209del, p.Leu5070fs (NM_004543.5); c.20311_20312del (NM_001271208.1); short protein forms L5070fs, L6771fs.
Identifiers: ClinVar variation 2840591 (VCV002840591.5), dbSNP rs753854812, ClinGen allele CA1907346.

ClinVar aggregate classification (germline): Pathogenic/Likely pathogenic. Review status: criteria provided, multiple submitters, no conflicts (2 of 4 stars). 2 submissions from 2 submitters: Pathogenic (1); Likely pathogenic (1). Last evaluated 2025-04-22.

Conditions:
Nemaline myopathy 2 (NEM2). Also called: Nemaline myopathy 2, autosomal recessive. Identifiers: MedGen C1850569, MONDO:0009725, OMIM 256030.

Submissions (2):

Natera, Inc.
Classification: Likely pathogenic for Nemaline myopathy type 2. Last evaluated: 2025-04-22. Review status: criteria provided, single submitter. Criteria: Natera Variant Classification Schema (03/2026). Collection method: clinical testing. Allele origin: germline.
Comment: The c.20311_20312del variant in NEB is a frameshift variant predicted to shift the reading frame beginning at codon 6771 and leads to a stop codon 18 codons downstream. This variant is expected to result in nonsense mediated decay, truncation, or a dysfunctional protein product. This variant is rare in the general population with a frequency below the threshold expected for the associated phenotype(s). Given the available evidence, this variant is classified as Likely Pathogenic.

Labcorp Genetics (formerly Invitae), Labcorp
Classification: Pathogenic for Nemaline myopathy 2. Last evaluated: 2023-09-04. Review status: criteria provided, single submitter. Criteria: Invitae Variant Classification Sherloc (09022015). Collection method: clinical testing. Allele origin: germline.
Comment: This variant has not been reported in the literature in individuals affected with NEB-related conditions. This variant is present in population databases (rs753854812, gnomAD 0.006%). This sequence change creates a premature translational stop signal (p.Leu6771Alafs*18) in the NEB gene. It is expected to result in an absent or disrupted protein product. Loss-of-function variants in NEB are known to be pathogenic (PMID: 25205138). For these reasons, this variant has been classified as Pathogenic.

Literature cited by the submitters: PubMed 25205138 (cited by Labcorp Genetics (formerly Invitae), Labcorp).